The following is an entry in ClinVar:

NM_152305.3(POGLUT1):c.427C>G (p.Pro143Ala)

Gene: POGLUT1 (protein O-glucosyltransferase 1; plus strand). Cytogenetic location: 3q13.33.
Variant type: single nucleotide variant.
Coding change: c.427C>G on transcript NM_152305.3 (MANE Select); coding-DNA position 427, C replaced by G.
Protein change: p.Pro143Ala; replaces proline 143 with alanine.
Molecular consequence: missense variant. On other transcripts: non-coding transcript variant (1).
Genome position (GRCh38, 1-based): chr3:119,477,419, C>G. VCF-style: chr3-119477419-C-G. GRCh37 (hg19) VCF-style: chr3-119196266-C-G.
Other names: short protein forms P143A.
Identifiers: ClinVar variation 3709999 (VCV003709999.2).
Genomic context (GRCh38, chr3:119,477,419, plus strand): 5'-CCTGACATGGAGATGGTGATCAATGTACGAGATTATCCTCAGGTTCCTAAATGGATGGAG[C>G]CTGCCATCCCAGTCTTCTCCTTCAGTAAGGTAAGTACAGGGAGAGCCACATGGGTGGATG-3'
Protein context (NP_689518.1, residues 133-153): DYPQVPKWME[Pro143Ala]AIPVFSFSKT

ClinVar aggregate classification (germline): Uncertain significance (1 of 4 stars; one submission).

gnomAD v4.1: 2 of 1,613,766 alleles (0.00012%); highest among the groups gnomAD compares: Non-Finnish European, 0.00017%; no homozygotes.

Submission:

Labcorp Genetics (formerly Invitae), Labcorp
Classification: Uncertain significance. Last evaluated: 2024-11-19. Review status: criteria provided, single submitter. Criteria: Invitae Variant Classification Sherloc (09022015). Collection method: clinical testing. Allele origin: germline.
Comment: This sequence change replaces proline, which is neutral and non-polar, with alanine, which is neutral and non-polar, at codon 143 of the POGLUT1 protein (p.Pro143Ala). This variant is not present in population databases (gnomAD no frequency). This variant has not been reported in the literature in individuals affected with POGLUT1-related conditions. Invitae Evidence Modeling of protein sequence and biophysical properties (such as structural, functional, and spatial information, amino acid conservation, physicochemical variation, residue mobility, and thermodynamic stability) indicates that this missense variant is not expected to disrupt POGLUT1 protein function with a negative predictive value of 80%. In summary, the available evidence is currently insufficient to determine the role of this variant in disease. Therefore, it has been classified as a Variant of Uncertain Significance.